The following is an entry in ClinVar:

NM_001034853.2(RPGR):c.1507-101A>T

Gene: RPGR (retinitis pigmentosa GTPase regulator; minus strand). Cytogenetic location: Xp11.4.
Variant type: single nucleotide variant.
Coding change: c.1507-101A>T on transcript NM_001034853.2 (MANE Select); 101 bases into the intron before coding-DNA position 1507, A replaced by T.
Molecular consequence: intron variant.
Genome position (GRCh38, 1-based): chrX:38,291,125, T>A on the plus strand (A>T on the coding strand, the complement: RPGR is on the minus strand). VCF-style: chrX-38291125-T-A. GRCh37 (hg19) VCF-style: chrX-38150378-T-A.
Other names: c.1504-101A>T (NM_001367249.1, NM_001367250.1, NM_001367245.1); c.1321-101A>T (NM_001367251.1, NM_001367246.1); c.1507-101A>T (NM_001367247.1, NM_000328.3); c.1537-101A>T (NM_001367248.1).
Identifiers: ClinVar variation 1286105 (VCV001286105.3), dbSNP rs5918520, ClinGen allele CA327919345.
Genomic context (GRCh38, chrX:38,291,125, plus strand): 5'-TATATATACTATATATTTGTATATAGTACAAATATATAGTATATTTTCAATTATATATAT[T>A]TTTTTATATATATATATATATAAAATGAAGGGAAAACAGTTCAGATAGTAATAGAATCCG-3'

ClinVar aggregate classification (germline): Benign. Review status: reviewed by expert panel (3 of 4 stars). 3 submissions from 3 submitters: Benign (1). 2 of the submissions do not count toward it. Last evaluated 2025-08-01.

Conditions:
RPGR-related retinopathy. Also called: RPGR retinopathy. Identifiers: MedGen CN305589, MONDO:0100437.

Allele frequency attached by ClinVar (database versions not stated): gnomAD exomes 0.25814; TOPMed 0.27641; gnomAD 0.28746 and 0.29451; 1000 Genomes Project 0.35629.
gnomAD v4.1: 44,403 of 158,578 alleles (28%); highest among the groups gnomAD compares: East Asian, 61%; 4,584 homozygotes.

Submissions (3):

ClinGen X-linked Inherited Retinal Disease Variant Curation Expert Panel, ClinGen
Classification: Benign for RPGR-related retinopathy. Last evaluated: 2025-08-01. Review status: reviewed by expert panel. Criteria: ClinGen X LinkedIRD ACMG Specifications RPGR V1.0.0. Collection method: curation. Allele origin: germline. Inheritance: X-linked inheritance.
Comment: NM_001034853.2(RPGR):c.1507-101A>T is an intron 12 variant located 101 nucleotides from exon 13. This variant is present in gnomAD v4.1.0 at a frequency of 0.2820 among hemizygous individuals, with 11,532 variant alleles / 40,892 total alleles, which is higher than the ClinGen X-linked IRD VCEP BA1 threshold of >0.00005 (BA1). The splicing impact predictor SpliceAI gives a delta score of 0.00, which is below the ClinGen X-linked IRD VCEP recommended threshold of <0.1 and does not strongly predict an impact on splicing (BP4). The variant is located outside of the splice acceptor region (BP7). In summary, this variant is classified as benign for RPGR-related retinopathy based on the ClinGen X-linked Inherited Retinal Disease Expert Panel Specifications to the ACMG/AMP Variant Interpretation Guidelines for RPGR Version 1.0.0; BA1, BP4, and BP7. (date of approval 05/16/2025).

GeneDx
Classification: Benign. Last evaluated: 2019-10-05. Review status: criteria provided, single submitter. Criteria: GeneDx Variant Classification Process June 2021. Collection method: clinical testing. Allele origin: germline. Affected: yes. Not counted in ClinVar's aggregate classification.

Breakthrough Genomics
Classification: Benign. Review status: criteria provided, single submitter. Criteria: ACMG Guidelines, 2015. Collection method: not provided. Allele origin: germline. Inheritance: X-linked inheritance. Affected: yes. Not counted in ClinVar's aggregate classification.